The following is an entry in ClinVar:

NM_002887.4(RARS1):c.448_456del (p.Cys150_Glu152del)

Gene: RARS1 (arginyl-tRNA synthetase 1; plus strand). Cytogenetic location: 5q34.
Variant type: Deletion.
Coding change: c.448_456del on transcript NM_002887.4 (MANE Select); coding-DNA positions 448 to 456, 9 bases deleted (TGTATTGAA; older notation c.448_456delTGTATTGAA).
Protein change: p.Cys150_Glu152del.
Molecular consequence: inframe deletion.
Genome position (GRCh38, 1-based): chr5:168,493,972-168,493,980, TGTATTGAA deleted; deleting any 9 consecutive bases within chr5:168,493,968-168,493,980 gives the same sequence; the c. name uses the placement nearest the transcript's 3' end. VCF-style (leftmost placement, unchanged base first): chr5-168493967-ATGAATGTAT-A. GRCh37 (hg19) VCF-style: chr5-167920972-ATGAATGTAT-A.
Identifiers: ClinVar variation 422330 (VCV000422330.2), dbSNP rs768923402, ClinGen allele CA3549600.
Genomic context (GRCh38, chr5:168,493,967, plus strand): 5'-AGGAACAGAAAGTTAATCCAAGAGAAATTGCTGAAAACATTACCAAACACCTCCCAGACA[ATGAATGTAT>A]TGAAAAAGTTGAAATTGCTGGTCCTGGTATGACATAATGTTATCCTTCTTAATAGTTGTA-3'

ClinVar aggregate classification (germline): Likely pathogenic (1 of 4 stars; one submission).

Submission:

GeneDx
Classification: Likely pathogenic. Last evaluated: 2019-01-17. Review status: criteria provided, single submitter. Criteria: GeneDx Variant Classification (06012015). Collection method: clinical testing. Allele origin: germline. Affected: yes.
Comment: The c.448_456delTGTATTGAA variant has not been published as a pathogenic variant, nor has it been reported as a benign variant to our knowledge. The c.448_456delTGTATTGAA variant was not observed in approximately 6,500 individuals of European and African American ancestry in the NHLBI Exome Sequencing Project, indicating it is not a common benign variant in these populations. The c.448_456delTGTATTGAA variant results in the in-frame deletion of three amino acid residues, Cysteine 150, Isoleucine 151, and Glutamic Acid 152, and is denoted p.Cys150_Glu152del at the protein level. This deletion occurs at positions that are not conserved. In summary, c.448_456delTGTATTGAA was previously interpreted to be a variant of uncertain significance. However, based on segregation data we reinterpret c.448_456delTGTATTGAA as a likely pathogenic variant based on the 2015 ACMG Standards and guidelines for the interpretation of sequence variants (Richards et al., 2015).